The following is an entry in ClinVar:

NM_001846.4(COL4A2):c.1208C>T (p.Pro403Leu)

Gene: COL4A2 (collagen type IV alpha 2 chain; plus strand). Cytogenetic location: 13q34.
Variant type: single nucleotide variant.
Coding change: c.1208C>T on transcript NM_001846.4 (MANE Select); coding-DNA position 1208, C replaced by T.
Protein change: p.Pro403Leu; replaces proline 403 with leucine.
Molecular consequence: missense variant.
Genome position (GRCh38, 1-based): chr13:110,450,323, C>T. VCF-style: chr13-110450323-C-T. GRCh37 (hg19) VCF-style: chr13-111102670-C-T.
Other names: short protein forms P403L.
Identifiers: ClinVar variation 311121 (VCV000311121.11), dbSNP rs772448912, ClinGen allele CA7049345.
Genomic context (GRCh38, chr13:110,450,323, plus strand): 5'-TATGGGAGACTCACGCTGCAGGTGAATGCTGTTTGGTTTCAGATCAGAGGAGAGGCCTGC[C>T]GGGTGAGATGGGACCCAAGGGCTTCATCGGAGACCCCGGCATCCCTGCGCTCTACGGGGG-3'
Protein context (NP_001837.2, residues 393-413): IGDGDQRRGL[Pro403Leu]GEMGPKGFIG

ClinVar aggregate classification (germline): Conflicting classifications of pathogenicity. Review status: criteria provided, conflicting classifications (1 of 4 stars). 3 submissions from 3 submitters: Uncertain significance (2); Likely benign (1). Last evaluated 2023-10-03.

Conditions:
Inborn genetic diseases. Identifiers: MedGen C0950123, MeSH D030342.
Brain small vessel disease 2A, autosomal dominant. Also called: Porencephaly 2. Identifiers: Orphanet 2940, Orphanet 99810, MedGen C3280970, MONDO:0013773, OMIM 614483.

Allele frequency attached by ClinVar (database versions not stated): TOPMed 0.00001; ExAC 0.00002.
gnomAD v4.1: 38 of 1,613,656 alleles (0.0024%); highest among the groups gnomAD compares: Middle Eastern, 0.017%; no homozygotes.

Submissions (3):

Labcorp Genetics (formerly Invitae), Labcorp
Classification: Uncertain significance. Last evaluated: 2023-10-03. Review status: criteria provided, single submitter. Criteria: Invitae Variant Classification Sherloc (09022015). Collection method: clinical testing. Allele origin: germline.
Comment: This sequence change replaces proline, which is neutral and non-polar, with leucine, which is neutral and non-polar, at codon 403 of the COL4A2 protein (p.Pro403Leu). This variant is present in population databases (rs772448912, gnomAD 0.006%). This variant has not been reported in the literature in individuals affected with COL4A2-related conditions. ClinVar contains an entry for this variant (Variation ID: 311121). Advanced modeling of protein sequence and biophysical properties (such as structural, functional, and spatial information, amino acid conservation, physicochemical variation, residue mobility, and thermodynamic stability) performed at Invitae indicates that this missense variant is not expected to disrupt COL4A2 protein function. In summary, the available evidence is currently insufficient to determine the role of this variant in disease. Therefore, it has been classified as a Variant of Uncertain Significance.

Ambry Genetics
Classification: Uncertain significance for Inborn genetic diseases. Last evaluated: 2022-08-02. Review status: criteria provided, single submitter. Criteria: Ambry Variant Classification Scheme 2023. Collection method: clinical testing. Allele origin: germline.

Illumina Laboratory Services, Illumina
Classification: Likely benign for Brain small vessel disease 2A, autosomal dominant. Last evaluated: 2018-01-12. Review status: criteria provided, single submitter. Criteria: ICSL Variant Classification Criteria 13 December 2019. Collection method: clinical testing. Allele origin: germline.
Comment: This variant was observed in the ICSL laboratory as part of a predisposition screen in an ostensibly healthy population. It had not been previously curated by ICSL or reported in the Human Gene Mutation Database (HGMD: prior to June 1st, 2018), and was therefore a candidate for classification through an automated scoring system. Utilizing variant allele frequency, disease prevalence and penetrance estimates, and inheritance mode, an automated score was calculated to assess if this variant is too frequent to cause the disease. Based on the score and internal cut-off values, a variant classified as likely benign is not then subjected to further curation. The score for this variant resulted in a classification of likely benign for this disease.